The following is an entry in ClinVar:

NM_024101.7(MLPH):c.1354G>C (p.Val452Leu)

Gene: MLPH (melanophilin; plus strand). Cytogenetic location: 2q37.3.
Variant type: single nucleotide variant.
Coding change: c.1354G>C on transcript NM_024101.7 (MANE Select); coding-DNA position 1354, G replaced by C.
Protein change: p.Val452Leu; replaces valine 452 with leucine.
Molecular consequence: missense variant. On other transcripts: non-coding transcript variant (1), intron variant (1).
Genome position (GRCh38, 1-based): chr2:237,540,865, G>C. VCF-style: chr2-237540865-G-C. GRCh37 (hg19) VCF-style: chr2-238449508-G-C.
Other names: c.1270G>C, p.Val424Leu (NM_001042467.3); c.925G>C, p.Val309Leu (NM_001281474.2); c.1086+332G>C (NM_001281473.2); short protein forms V309L, V424L, V452L.
Identifiers: ClinVar variation 1422415 (VCV001422415.6), dbSNP rs544688545, ClinGen allele CA351208790.

ClinVar aggregate classification (germline): Uncertain significance (1 of 4 stars; one submission).

gnomAD v4.1: 5 of 1,613,342 alleles (0.00031%); highest among the groups gnomAD compares: Admixed American, 0.0083%; no homozygotes.

Submission:

Labcorp Genetics (formerly Invitae), Labcorp
Classification: Uncertain significance. Last evaluated: 2022-10-17. Review status: criteria provided, single submitter. Criteria: Invitae Variant Classification Sherloc (09022015). Collection method: clinical testing. Allele origin: germline.
Comment: This variant is present in population databases (no rsID available, gnomAD 0.01%). This sequence change replaces valine, which is neutral and non-polar, with leucine, which is neutral and non-polar, at codon 452 of the MLPH protein (p.Val452Leu). In summary, the available evidence is currently insufficient to determine the role of this variant in disease. Therefore, it has been classified as a Variant of Uncertain Significance. Algorithms developed to predict the effect of missense changes on protein structure and function (SIFT, PolyPhen-2, Align-GVGD) all suggest that this variant is likely to be tolerated. ClinVar contains an entry for this variant (Variation ID: 1422415). This variant has not been reported in the literature in individuals affected with MLPH-related conditions.